The following is an entry in ClinVar:

ClinVar aggregate classification (germline): Conflicting classifications of pathogenicity. Review status: criteria provided, conflicting classifications (1 of 4 stars). 6 submissions from 4 submitters: Uncertain significance (4); Likely benign (2). Last evaluated 2024-07-24.

Conditions:
Acute febrile neutrophilic dermatosis (AFND). Also called: Sweet Syndrome; Gomm Button disease. Identifiers: Orphanet 3243, MedGen C0085077, MONDO:0011959, OMIM 608068.
Familial Mediterranean fever (FMF). Also called: POLYSEROSITIS, FAMILIAL PAROXYSMAL; POLYSEROSITIS, RECURRENT; Periodic peritonitis; Benign paroxysmal peritonitis. Identifiers: Orphanet 342, MedGen C0031069, MONDO:0018088, OMIM 249100. Disease mechanism: gain of function.
Familial Mediterranean fever, autosomal dominant. Also called: Dominant Familial Mediterranean Fever; FMF, AUTOSOMAL DOMINANT. Identifiers: Orphanet 342, MedGen C1851347, MONDO:0007601, OMIM 134610.

Allele frequency attached by ClinVar (database versions not stated): gnomAD exomes 0.00001; TOPMed 0.00001.
gnomAD v4.1: 26 of 1,571,730 alleles (0.0017%); highest among the groups gnomAD compares: Non-Finnish European, 0.0022%; no homozygotes.

Submissions (6):

Women's Health and Genetics/Laboratory Corporation of America, LabCorp
Classification: Uncertain significance. Last evaluated: 2024-07-24. Review status: criteria provided, single submitter. Criteria: LabCorp Variant Classification Summary - May 2015. Collection method: clinical testing. Allele origin: germline.
Comment: Variant summary: MEFV c.566G>T (p.Gly189Val) results in a non-conservative amino acid change in the encoded protein sequence. Three of five in-silico tools predict a benign effect of the variant on protein function. The variant allele was found at a frequency of 5.6e-06 in 177474 control chromosomes. The available data on variant occurrences in the general population are insufficient to allow any conclusion about variant significance. To our knowledge, no occurrence of c.566G>T in individuals affected with Familial Mediterranean Fever and no experimental evidence demonstrating its impact on protein function have been reported. ClinVar contains an entry for this variant (Variation ID: 953572). Based on the evidence outlined above, the variant was classified as uncertain significance.

Fulgent Genetics
Classification: Uncertain significance for Familial Mediterranean fever, autosomal dominant; Familial Mediterranean fever; Acute febrile neutrophilic dermatosis. Last evaluated: 2024-03-08. Review status: criteria provided, single submitter. Criteria: ACMG Guidelines, 2015. Collection method: clinical testing. Allele origin: germline.

Genome-Nilou Lab
Classification: Uncertain significance for Familial Mediterranean fever. Last evaluated: 2023-02-08. Review status: criteria provided, single submitter. Criteria: ACMG Guidelines, 2015. Collection method: clinical testing. Allele origin: germline.

Genome-Nilou Lab
Classification: Likely benign for Familial Mediterranean fever, autosomal dominant. Last evaluated: 2023-02-08. Review status: criteria provided, single submitter. Criteria: ACMG Guidelines, 2015. Collection method: clinical testing. Allele origin: germline.

Genome-Nilou Lab
Classification: Likely benign for Acute febrile neutrophilic dermatosis. Last evaluated: 2023-02-08. Review status: criteria provided, single submitter. Criteria: ACMG Guidelines, 2015. Collection method: clinical testing. Allele origin: germline.

Labcorp Genetics (formerly Invitae), Labcorp
Classification: Uncertain significance for Familial Mediterranean fever. Last evaluated: 2021-08-31. Review status: criteria provided, single submitter. Criteria: Invitae Variant Classification Sherloc (09022015). Collection method: clinical testing. Allele origin: germline.
Comment: This sequence change replaces glycine with valine at codon 189 of the MEFV protein (p.Gly189Val). The glycine residue is weakly conserved and there is a moderate physicochemical difference between glycine and valine. This variant is not present in population databases (ExAC no frequency). This variant has not been reported in the literature in individuals affected with MEFV-related conditions. Algorithms developed to predict the effect of missense changes on protein structure and function output the following: SIFT: "Tolerated"; PolyPhen-2: "Benign"; Align-GVGD: "Class C0". The valine amino acid residue is found in multiple mammalian species, which suggests that this missense change does not adversely affect protein function. In summary, the available evidence is currently insufficient to determine the role of this variant in disease. Therefore, it has been classified as a Variant of Uncertain Significance.

NM_000243.3(MEFV):c.566G>T (p.Gly189Val)

Gene: MEFV (MEFV innate immunity regulator, pyrin; minus strand). Cytogenetic location: 16p13.3.
Variant type: single nucleotide variant.
Coding change: c.566G>T on transcript NM_000243.3 (MANE Select); coding-DNA position 566, G replaced by T.
Protein change: p.Gly189Val; replaces glycine 189 with valine.
Molecular consequence: missense variant. On other transcripts: intron variant (1).
Genome position (GRCh38, 1-based): chr16:3,254,502, C>A on the plus strand (G>T on the coding strand, the complement: MEFV is on the minus strand). VCF-style: chr16-3254502-C-A. GRCh37 (hg19) VCF-style: chr16-3304502-C-A.
Other names: c.277+1809G>T (NM_001198536.2); short protein forms G189V.
Identifiers: ClinVar variation 953572 (VCV000953572.10), dbSNP rs923516953, ClinGen allele CA276902622.